The following is an entry in ClinVar:

ClinVar aggregate classification (germline): Uncertain significance. Review status: criteria provided, multiple submitters, no conflicts (2 of 4 stars). 3 submissions from 3 submitters: Uncertain significance (3). Last evaluated 2024-04-11.

Conditions:
POLG-related disorder. Also called: POLG-Related Spectrum Disorders; POLG-related condition; POLG-Related Disorders. Identifiers: MedGen C4763519.

gnomAD v4.1: 3 of 1,613,802 alleles (0.00019%); highest among the groups gnomAD compares: South Asian, 0.0011%; no homozygotes.

Submissions (3):

Mayo Clinic Laboratories, Mayo Clinic
Classification: Uncertain significance. Last evaluated: 2024-04-11. Review status: criteria provided, single submitter. Criteria: ACMG Guidelines, 2015. Collection method: clinical testing. Allele origin: germline. Observed: 1 variant allele.
Comment: PM2_moderate

PreventionGenetics, part of Exact Sciences
Classification: Uncertain significance for POLG-related condition. Last evaluated: 2022-11-26. Review status: criteria provided, single submitter. Criteria: ACMG Guidelines, 2015. Collection method: clinical testing. Allele origin: germline.
Comment: The POLG c.3666G>C variant is predicted to result in the amino acid substitution p.Gln1222His. To our knowledge, this variant has not been reported in POLG-related disorders or in a large population database, indicating this variant is rare. At this time, the clinical significance of this variant is uncertain due to the absence of conclusive functional and genetic evidence.

GeneDx
Classification: Uncertain significance. Last evaluated: 2022-05-24. Review status: criteria provided, single submitter. Criteria: GeneDx Variant Classification Process June 2021. Collection method: clinical testing. Allele origin: germline. Affected: yes.
Comment: Not observed at significant frequency in large population cohorts (gnomAD); In silico analysis supports that this missense variant has a deleterious effect on protein structure/function; Has not been previously published as pathogenic or benign to our knowledge

NM_002693.3(POLG):c.3666G>C (p.Gln1222His)

Genes: FANCI (FA complementation group I; plus strand), POLG (DNA polymerase gamma, catalytic subunit; minus strand). Cytogenetic location: 15q26.1.
Variant type: single nucleotide variant.
Coding change: c.3666G>C on transcript NM_002693.3 (MANE Select); coding-DNA position 3666, G replaced by C.
Protein change: p.Gln1222His; replaces glutamine 1222 with histidine.
Molecular consequence: missense variant. On other transcripts: 3 prime UTR variant (4).
Genome position (GRCh38, 1-based): chr15:89,316,805, C>G on the plus strand (G>C on the coding strand, the complement: POLG is on the minus strand). VCF-style: chr15-89316805-C-G. GRCh37 (hg19) VCF-style: chr15-89860036-C-G.
Other names: p.Gln1222His; c.3666G>C, p.Gln1222His (NM_001126131.2); c.*346C>G (NM_001113378.2, NM_001376910.1, NM_001376911.1 and 1 more transcripts); short protein forms Q1222H.
Identifiers: ClinVar variation 1687690 (VCV001687690.4), dbSNP rs770992948, ClinGen allele CA393746982.
Genomic context (GRCh38, chr15:89,316,805, plus strand): 5'-GCAGTGCTATGGTCCAGGCTGGCTTCGTTTTTCCAAGGAGCCTTTGGTGAGTTCAATTAT[C>G]TGGTAAATATCCAGCGCTTCACCTGAAAGATAGTGCAAATTGGTTAGGATGCCACCTCAA-3'
Protein context (NP_002684.1, residues 1212-1232): IPQGEALDIY[Gln1222His]IIELTKGSLE